The following is an entry in ClinVar:

ClinVar aggregate classification (germline): Uncertain significance (1 of 4 stars; one submission).

Submission:

Labcorp Genetics (formerly Invitae), Labcorp
Classification: Uncertain significance. Last evaluated: 2024-07-31. Review status: criteria provided, single submitter. Criteria: Invitae Variant Classification Sherloc (09022015). Collection method: clinical testing. Allele origin: germline.
Comment: This sequence change replaces histidine, which is basic and polar, with proline, which is neutral and non-polar, at codon 256 of the TYR protein (p.His256Pro). This variant is not present in population databases (gnomAD no frequency). This missense change has been observed in individual(s) with clinical features of ocular albinism (Invitae). In at least one individual the data is consistent with being in trans (on the opposite chromosome) from a pathogenic variant. Advanced modeling of protein sequence and biophysical properties (such as structural, functional, and spatial information, amino acid conservation, physicochemical variation, residue mobility, and thermodynamic stability) performed at Invitae indicates that this missense variant is not expected to disrupt TYR protein function with a negative predictive value of 80%. In summary, the available evidence is currently insufficient to determine the role of this variant in disease. Therefore, it has been classified as a Variant of Uncertain Significance.

NM_000372.5(TYR):c.767A>C (p.His256Pro)

Gene: TYR (tyrosinase; plus strand). Cytogenetic location: 11q14.3.
Variant type: single nucleotide variant.
Coding change: c.767A>C on transcript NM_000372.5 (MANE Select); coding-DNA position 767, A replaced by C.
Protein change: p.His256Pro; replaces histidine 256 with proline.
Molecular consequence: missense variant.
Genome position (GRCh38, 1-based): chr11:89,178,720, A>C. VCF-style: chr11-89178720-A-C. GRCh37 (hg19) VCF-style: chr11-88911888-A-C.
Other names: short protein forms H256P.
Identifiers: ClinVar variation 3632242 (VCV003632242.2).